The following is an entry in ClinVar:

ClinVar aggregate classification (germline): Pathogenic (1 of 4 stars; one submission).

Conditions:
Glanzmann thrombasthenia. Also called: PLATELET GLYCOPROTEIN IIb-IIIa DEFICIENCY; Thrombasthenia; Glanzmann's thrombasthenia; BLEEDING DISORDER, PLATELET-TYPE, 2; THROMBASTHENIA OF GLANZMANN AND NAEGELI. Identifiers: Orphanet 849, MedGen C0040015, MONDO:0100326.

Submission:

Labcorp Genetics (formerly Invitae), Labcorp
Classification: Pathogenic for Glanzmann thrombasthenia. Last evaluated: 2023-12-05. Review status: criteria provided, single submitter. Criteria: Invitae Variant Classification Sherloc (09022015). Collection method: clinical testing. Allele origin: unknown.
Comment: This variant is a gross deletion of the genomic region encompassing exon(s) 19-22 of the ITGA2B gene. This deletion is out-of-frame, and is expected to create a premature termination codon and result in an absent or disrupted protein product. Loss-of-function variants in ITGA2B are known to be pathogenic (PMID: 21917754). This variant has not been reported in the literature in individuals affected with ITGA2B-related conditions. For these reasons, this variant has been classified as Pathogenic.

Literature cited by the submitters: PubMed 21917754.

NC_000017.10:g.(?_42454357)_(42456098_?)del

Gene: ITGA2B (integrin subunit alpha 2b; minus strand). Cytogenetic location: 17q21.31.
Variant type: Deletion.
Identifiers: ClinVar variation 3242918 (VCV003242918.1).